The following is an entry in ClinVar:

NM_001281740.3(FHOD3):c.1698C>G (p.His566Gln)

Gene: FHOD3 (formin homology 2 domain containing 3; plus strand). Cytogenetic location: 18q12.2.
Variant type: single nucleotide variant.
Coding change: c.1698C>G on transcript NM_001281740.3 (MANE Select); coding-DNA position 1698, C replaced by G.
Protein change: p.His566Gln; replaces histidine 566 with glutamine.
Molecular consequence: missense variant. On other transcripts: intron variant (2).
Genome position (GRCh38, 1-based): chr18:36,653,393, C>G. VCF-style: chr18-36653393-C-G. GRCh37 (hg19) VCF-style: chr18-34233356-C-G.
Other names: c.1698C>G (NM_001281740.2); c.1197-4682C>G (NM_025135.5, NM_001281739.3); short protein forms H566Q.
Identifiers: ClinVar variation 3895036 (VCV003895036.2), dbSNP rs139122756.
Genomic context (GRCh38, chr18:36,653,393, plus strand): 5'-CTTTGACAGTTCCTCTGATTCTTTCTCTTTGAGCACATATTCTGCCTCTGAGCCTTACCA[C>G]TTCCGATCTTTCTCTTCTAATAGGTGGGTGTCTTTATTTTCTTTCCCTTTTCTGTAGCTT-3'
Protein context (NP_001268669.1, residues 556-576): LSTYSASEPY[His566Gln]FRSFSSNRYS

ClinVar aggregate classification (germline): Likely benign. Review status: criteria provided, multiple submitters, no conflicts (2 of 4 stars). 2 submissions from 2 submitters: Likely benign (2). Last evaluated 2025-12-10.

Conditions:
FHOD3-related disorder. Also called: FHOD3-related condition.

gnomAD v4.1: 347 of 1,534,446 alleles (0.023%); highest among the groups gnomAD compares: African/African-American, 0.4%; no homozygotes.

Submissions (2):

PreventionGenetics, part of Exact Sciences
Classification: Likely benign for FHOD3-related condition. Last evaluated: 2025-12-10. Review status: criteria provided, single submitter. Criteria: ACMG Guidelines, 2015. Collection method: clinical testing. Allele origin: germline.
Comment: This variant is classified as likely benign based on ACMG/AMP sequence variant interpretation guidelines (Richards et al. 2015 PMID: 25741868, with internal and published modifications).

Molecular Diagnostic Laboratory for Inherited Cardiovascular Disease, Montreal Heart Institute
Classification: Likely benign. Last evaluated: 2025-04-09. Review status: criteria provided, single submitter. Criteria: ACMG Guidelines, 2015. Collection method: clinical testing. Allele origin: germline. Affected: no.